The following is an entry in ClinVar:

NM_004360.5(CDH1):c.66C>G (p.Cys22Trp)

Gene: CDH1 (cadherin 1; plus strand). Cytogenetic location: 16q22.1.
Variant type: single nucleotide variant.
Coding change: c.66C>G on transcript NM_004360.5 (MANE Select); coding-DNA position 66, C replaced by G.
Protein change: p.Cys22Trp; replaces cysteine 22 with tryptophan.
Molecular consequence: missense variant. On other transcripts: 5 prime UTR variant (2).
Genome position (GRCh38, 1-based): chr16:68,738,314, C>G. VCF-style: chr16-68738314-C-G. GRCh37 (hg19) VCF-style: chr16-68772217-C-G.
Other names: c.66C>G, p.Cys22Trp (NM_001317184.2); c.-1550C>G (NM_001317185.2); c.-1754C>G (NM_001317186.2); short protein forms C22W.
Identifiers: ClinVar variation 1332253 (VCV001332253.7), dbSNP rs865838543, ClinGen allele CA396451679.

ClinVar aggregate classification (germline): Uncertain significance. Review status: criteria provided, multiple submitters, no conflicts (2 of 4 stars). 2 submissions from 2 submitters: Uncertain significance (2). Last evaluated 2023-12-05.

Conditions:
Hereditary cancer-predisposing syndrome. Also called: Hereditary Cancer Syndrome; Hereditary neoplastic syndrome; Neoplastic Syndromes, Hereditary; Tumor predisposition. Identifiers: Orphanet 140162, MedGen C0027672, MeSH D009386, MONDO:0015356.
Hereditary diffuse gastric adenocarcinoma (HDGC). Also called: DIFFUSE GASTRIC AND LOBULAR BREAST CANCER SYNDROME. Identifiers: Orphanet 26106, MedGen C1708349, MONDO:0007648, OMIM 137215.

Submissions (2):

Color Diagnostics, LLC DBA Color Health
Classification: Uncertain significance for Hereditary cancer-predisposing syndrome. Last evaluated: 2023-12-05. Review status: criteria provided, single submitter. Criteria: ACMG Guidelines, 2015. Collection method: clinical testing. Allele origin: germline.
Comment: This missense variant replaces cysteine with tryptophan at codon 22 of the CDH1 protein. To our knowledge, functional studies have not been reported for this variant. This variant has not been reported in individuals affected with hereditary cancer in the literature. This variant has not been identified in the general population by the Genome Aggregation Database (gnomAD). The available evidence is insufficient to determine the role of this variant in disease conclusively. Therefore, this variant is classified as a Variant of Uncertain Significance.

Labcorp Genetics (formerly Invitae), Labcorp
Classification: Uncertain significance for Hereditary diffuse gastric adenocarcinoma. Last evaluated: 2023-03-09. Review status: criteria provided, single submitter. Criteria: Invitae Variant Classification Sherloc (09022015). Collection method: clinical testing. Allele origin: germline.
Comment: ClinVar contains an entry for this variant (Variation ID: 1332253). In summary, the available evidence is currently insufficient to determine the role of this variant in disease. Therefore, it has been classified as a Variant of Uncertain Significance. Algorithms developed to predict the effect of sequence changes on RNA splicing suggest that this variant may create or strengthen a splice site. An algorithm developed to predict the effect of missense changes on protein structure and function (PolyPhen-2) suggests that this variant is likely to be disruptive. This variant has not been reported in the literature in individuals affected with CDH1-related conditions. This variant is not present in population databases (gnomAD no frequency). This sequence change replaces cysteine, which is neutral and slightly polar, with tryptophan, which is neutral and slightly polar, at codon 22 of the CDH1 protein (p.Cys22Trp).